The following is an entry in ClinVar:

NM_004237.4(TRIP13):c.979A>G (p.Ile327Val)

Gene: TRIP13 (thyroid hormone receptor interactor 13; plus strand). Cytogenetic location: 5p15.33.
Variant type: single nucleotide variant.
Coding change: c.979A>G on transcript NM_004237.4 (MANE Select); coding-DNA position 979, A replaced by G.
Protein change: p.Ile327Val; replaces isoleucine 327 with valine.
Molecular consequence: missense variant.
Genome position (GRCh38, 1-based): chr5:911,955, A>G. VCF-style: chr5-911955-A-G. GRCh37 (hg19) VCF-style: chr5-912070-A-G.
Other names: short protein forms I327V.
Identifiers: ClinVar variation 3023145 (VCV003023145.3), dbSNP rs200589704, ClinGen allele CA3180039.

ClinVar aggregate classification (germline): Uncertain significance (1 of 4 stars; one submission).

Allele frequency attached by ClinVar (database versions not stated): gnomAD 0.00009; gnomAD exomes 0.00005; ESP Exome Variant Server 0.00008; TOPMed 0.00006; ExAC 0.00007.
gnomAD v4.1: 92 of 1,613,352 alleles (0.0057%); highest among the groups gnomAD compares: Non-Finnish European, 0.0014%; no homozygotes.

Submission:

Labcorp Genetics (formerly Invitae), Labcorp
Classification: Uncertain significance. Last evaluated: 2025-07-07. Review status: criteria provided, single submitter. Criteria: Invitae Variant Classification Sherloc (09022015). Collection method: clinical testing. Allele origin: germline.
Comment: This sequence change replaces isoleucine, which is neutral and non-polar, with valine, which is neutral and non-polar, at codon 327 of the TRIP13 protein (p.Ile327Val). This variant is present in population databases (rs200589704, gnomAD 0.2%). This variant has not been reported in the literature in individuals affected with TRIP13-related conditions. ClinVar contains an entry for this variant (Variation ID: 3023145). An algorithm developed to predict the effect of missense changes on protein structure and function (PolyPhen-2) suggests that this variant is likely to be tolerated. In summary, the available evidence is currently insufficient to determine the role of this variant in disease. Therefore, it has been classified as a Variant of Uncertain Significance.